The following is an entry in ClinVar:

NM_005618.4(DLL1):c.1052C>T (p.Ser351Phe)

Gene: DLL1 (delta like canonical Notch ligand 1; minus strand). Cytogenetic location: 6q27.
Variant type: single nucleotide variant.
Coding change: c.1052C>T on transcript NM_005618.4 (MANE Select); coding-DNA position 1052, C replaced by T.
Protein change: p.Ser351Phe; replaces serine 351 with phenylalanine.
Molecular consequence: missense variant.
Genome position (GRCh38, 1-based): chr6:170,285,116, G>A on the plus strand (C>T on the coding strand, the complement: DLL1 is on the minus strand). VCF-style: chr6-170285116-G-A. GRCh37 (hg19) VCF-style: chr6-170594204-G-A.
Other names: c.1052C>T (NM_005618.3); short protein forms S351F.
Identifiers: ClinVar variation 1947882 (VCV001947882.6), dbSNP rs1353415684, ClinGen allele CA366508129.
Genomic context (GRCh38, chr6:170,285,116, plus strand): 5'-GCACAGGTCATGGCACTCAATTCACAGATTTTGCCGTAGAAGCCGGGTGGGCAGGTACAG[G>A]AGTAGCTGTTCTCGAGATCCTACACGATGGAGAGGTCAGAAAAGGCTTTCCAAAGTTGCT-3'
Protein context (NP_005609.3, residues 341-361): GSCTDLENSY[Ser351Phe]CTCPPGFYGK

ClinVar aggregate classification (germline): Uncertain significance. Review status: criteria provided, multiple submitters, no conflicts (2 of 4 stars). 2 submissions from 2 submitters: Uncertain significance (2). Last evaluated 2025-01-31.

Submissions (2):

GeneDx
Classification: Uncertain significance. Last evaluated: 2025-01-31. Review status: criteria provided, single submitter. Criteria: GeneDx Variant Classification Process June 2021. Collection method: clinical testing. Allele origin: germline. Affected: yes.
Comment: Not observed at significant frequency in large population cohorts (gnomAD); In silico analysis supports that this missense variant has a deleterious effect on protein structure/function; Has not been previously published as pathogenic or benign to our knowledge

Labcorp Genetics (formerly Invitae), Labcorp
Classification: Uncertain significance. Last evaluated: 2022-10-13. Review status: criteria provided, single submitter. Criteria: Invitae Variant Classification Sherloc (09022015). Collection method: clinical testing. Allele origin: germline.
Comment: This sequence change replaces serine, which is neutral and polar, with phenylalanine, which is neutral and non-polar, at codon 351 of the DLL1 protein (p.Ser351Phe). This variant is not present in population databases (gnomAD no frequency). This variant has not been reported in the literature in individuals affected with DLL1-related conditions. Algorithms developed to predict the effect of missense changes on protein structure and function are either unavailable or do not agree on the potential impact of this missense change (SIFT: "Deleterious"; PolyPhen-2: "Benign"; Align-GVGD: "Class C0"). In summary, the available evidence is currently insufficient to determine the role of this variant in disease. Therefore, it has been classified as a Variant of Uncertain Significance.